The following is an entry in ClinVar:

NM_000642.3(AGL):c.4433T>C (p.Ile1478Thr)

Gene: AGL (amylo-alpha-1,6-glucosidase and 4-alpha-glucanotransferase; plus strand). Cytogenetic location: 1p21.2.
Variant type: single nucleotide variant.
Coding change: c.4433T>C on transcript NM_000642.3 (MANE Select); coding-DNA position 4433, T replaced by C.
Protein change: p.Ile1478Thr; replaces isoleucine 1478 with threonine.
Molecular consequence: missense variant.
Genome position (GRCh38, 1-based): chr1:99,916,683, T>C. VCF-style: chr1-99916683-T-C. GRCh37 (hg19) VCF-style: chr1-100382239-T-C.
Other names: c.4433T>C, p.Ile1478Thr (NM_000028.3, NM_000643.3, NM_000644.3 and 1 more transcripts); c.4385T>C, p.Ile1462Thr (NM_000646.3); c.4412T>C, p.Ile1471Thr (NM_001425326.1); c.4232T>C, p.Ile1411Thr (NM_001425327.1); c.4229T>C, p.Ile1410Thr (NM_001425328.1); c.4094T>C, p.Ile1365Thr (NM_001425329.1); c.4055T>C, p.Ile1352Thr (NM_001425332.1); short protein forms I1462T, I1478T, I1352T, I1365T, I1410T, I1411T, I1471T.
Identifiers: ClinVar variation 2229929 (VCV002229929.4), dbSNP rs549501272, ClinGen allele CA341342572.
Genomic context (GRCh38, chr1:99,916,683, plus strand): 5'-TTCTTCGTGCAAAATTATATTTTTCCAGATTGATGGGCCCGGAGACTACTGCAAAGACTA[T>C]AGTTTTGGTTAAAAATGTTCTTTCCCGACATTATGTTCATCTTGAGAGGTAAGTCATCAG-3'
Protein context (NP_000633.2, residues 1468-1488): LMGPETTAKT[Ile1478Thr]VLVKNVLSRH

ClinVar aggregate classification (germline): Uncertain significance. Review status: criteria provided, multiple submitters, no conflicts (2 of 4 stars). 2 submissions from 2 submitters: Uncertain significance (2). Last evaluated 2026-04-28.

Conditions:
Inborn genetic diseases. Identifiers: MedGen C0950123, MeSH D030342.

Submissions (2):

Ambry Genetics
Classification: Uncertain significance for Inborn genetic diseases. Last evaluated: 2026-04-28. Review status: criteria provided, single submitter. Criteria: Ambry Variant Classification Scheme 2023. Collection method: clinical testing. Allele origin: germline.
Comment: The c.4433T>C (p.I1478T) alteration is located in exon 33 (coding exon 32) of the AGL gene. This alteration results from a T to C substitution at nucleotide position 4433, causing the isoleucine (I) at amino acid position 1478 to be replaced by a threonine (T). This variant was not reported in population-based cohorts in the Genome Aggregation Database (gnomAD). This amino acid position is poorly conserved in available vertebrate species. This alteration is predicted to be tolerated by in silico analysis. Based on insufficient or conflicting evidence, the clinical significance of this alteration remains unclear.

GeneDx
Classification: Uncertain significance. Last evaluated: 2026-02-24. Review status: criteria provided, single submitter. Criteria: GeneDx Variant Classification Process June 2021. Collection method: clinical testing. Allele origin: germline.
Comment: Not observed at significant frequency in large population cohorts (gnomAD); In silico analysis suggests that this missense variant does not alter protein structure/function; Has not been previously published as pathogenic or benign to our knowledge